The following is an entry in ClinVar:

NM_001100.4(ACTA1):c.1060_1061delinsGG (p.Phe354Gly)

Gene: ACTA1 (actin alpha 1, skeletal muscle; minus strand). Cytogenetic location: 1q42.13.
Variant type: Indel.
Coding change: c.1060_1061delinsGG on transcript NM_001100.4 (MANE Select); coding-DNA positions 1060 to 1061, TT replaced by GG.
Protein change: p.Phe354Gly; replaces phenylalanine 354 with glycine.
Molecular consequence: missense variant.
Genome position (GRCh38, 1-based): chr1:229,431,572-229,431,573, AA replaced by CC on the plus strand (TT replaced by GG on the coding strand, the reverse complement: ACTA1 is on the minus strand). VCF-style: chr1-229431572-AA-CC. GRCh37 (hg19) VCF-style: chr1-229567319-AA-CC.
Other names: short protein forms F354G.
Identifiers: ClinVar variation 4291858 (VCV004291858.1).
Genomic context (GRCh38, chr1:229,431,572, plus strand): 5'-CGGTGGACGATGGAAGGGCCGGCCTCGTCGTACTCCTGCTTGGTGATCCACATCTGCTGG[AA>CC]GGTGGACAGCGAGGCCAGGATGGAGCCGCCGATCCACACCGAGTATTTGCGCTCCGGCGG-3'
Protein context (NP_001091.1, residues 344-364): GGSILASLST[Phe354Gly]QQMWITKQEY

ClinVar aggregate classification (germline): Uncertain significance (1 of 4 stars; one submission).

Conditions:
Congenital myopathy 2c, severe infantile, autosomal dominant (CMYO2C). Identifiers: MedGen C5830333, MONDO:0859523, OMIM 620278.

Submission:

3billion
Classification: Uncertain significance for Congenital myopathy 2c, severe infantile, autosomal dominant. Last evaluated: 2025-03-28. Review status: criteria provided, single submitter. Criteria: ACMG Guidelines, 2015. Collection method: clinical testing. Allele origin: germline. Affected: yes.
Comment: The variant is not observed in the gnomAD v4.1.0 dataset. Predicted Consequence/Location: Missense variant. Missense changes are a common disease-causing mechanism.The variant has been confirmed to be assumed (i.e. paternity and maternity not confirmed) de novo . in silico tool predictions suggest damaging effect of the variant on gene or gene product [3Cnet: 0.99 (> 0.75, sensitivity 0.96 and precision 0.92)]. Different missense changes at the same codon (p.Phe354Leu, p.Phe354Ser, p.Phe354Tyr) have been reported to be associated with ACTA1-related disorder (ClinVar ID: VCV001301883 / PMID: 19562689). Therefore, this variant is classified as Likely pathogenic (PS2_S, PM2_M, PP3_P) according to the recommendation of ACMG/AMP guideline.

Literature cited by the submitters: PubMed 19562689.